The following is an entry in ClinVar:

NM_002408.4(MGAT2):c.341C>T (p.Ala114Val)

Gene: MGAT2 (alpha-1,6-mannosyl-glycoprotein 2-beta-N-acetylglucosaminyltransferase; plus strand). Cytogenetic location: 14q21.3.
Variant type: single nucleotide variant.
Coding change: c.341C>T on transcript NM_002408.4 (MANE Select); coding-DNA position 341, C replaced by T.
Protein change: p.Ala114Val; replaces alanine 114 with valine.
Molecular consequence: missense variant.
Genome position (GRCh38, 1-based): chr14:49,621,609, C>T. VCF-style: chr14-49621609-C-T. GRCh37 (hg19) VCF-style: chr14-50088327-C-T.
Other names: short protein forms A114V.
Identifiers: ClinVar variation 4751741 (VCV004751741.1).
Genomic context (GRCh38, chr14:49,621,609, plus strand): 5'-TGGTGTACCAGCTGAACTTTGATCAGACCCTGAGGAATGTAGATAAGGCTGGCACCTGGG[C>T]CCCCCGGGAGCTGGTGCTGGTGGTCCAGGTGCATAACCGGCCCGAATACCTCAGACTGCT-3'
Protein context (NP_002399.1, residues 104-124): LRNVDKAGTW[Ala114Val]PRELVLVVQV

ClinVar aggregate classification (germline): Uncertain significance (1 of 4 stars; one submission).

Conditions:
MGAT2-congenital disorder of glycosylation. Also called: MENTAL RETARDATION, GROWTH RETARDATION, PROMINENT COLUMELLA, AND OPEN MOUTH; Alkuraya syndrome; Congenital disorder of glycosylation, type IIa; MGAT2-CDG; CDG IIa. Identifiers: Orphanet 79329, MedGen C2931008, MONDO:0008908, OMIM 212066.

Submission:

Labcorp Genetics (formerly Invitae), Labcorp
Classification: Uncertain significance for MGAT2-congenital disorder of glycosylation. Last evaluated: 2025-10-28. Review status: criteria provided, single submitter. Criteria: Invitae Variant Classification Sherloc (09022015). Collection method: clinical testing. Allele origin: germline.
Comment: This sequence change replaces alanine, which is neutral and non-polar, with valine, which is neutral and non-polar, at codon 114 of the MGAT2 protein (p.Ala114Val). This variant is present in population databases (rs773214147, gnomAD 0.003%). This variant has not been reported in the literature in individuals affected with MGAT2-related conditions. Invitae Evidence Modeling of protein sequence and biophysical properties (such as structural, functional, and spatial information, amino acid conservation, physicochemical variation, residue mobility, and thermodynamic stability) indicates that this missense variant is not expected to disrupt MGAT2 protein function with a negative predictive value of 80%. In summary, the available evidence is currently insufficient to determine the role of this variant in disease. Therefore, it has been classified as a Variant of Uncertain Significance.